The following is an entry in ClinVar:

NM_000059.4(BRCA2):c.1162G>C (p.Val388Leu)

Gene: BRCA2 (BRCA2 DNA repair associated; plus strand). Cytogenetic location: 13q13.1.
Variant type: single nucleotide variant.
Coding change: c.1162G>C on transcript NM_000059.4 (MANE Select); coding-DNA position 1162, G replaced by C.
Protein change: p.Val388Leu; replaces valine 388 with leucine.
Molecular consequence: missense variant. On other transcripts: non-coding transcript variant (1), intron variant (1).
Genome position (GRCh38, 1-based): chr13:32,332,640, G>C. VCF-style: chr13-32332640-G-C. GRCh37 (hg19) VCF-style: chr13-32906777-G-C.
Other names: c.1162G>C, p.Val388Leu (NM_001406719.1, NM_001406720.1, NM_001406721.1); c.424+1610G>C (NM_001406722.1); short protein forms V388L.
Identifiers: ClinVar variation 2743752 (VCV002743752.3), dbSNP rs876660239, ClinGen allele CA387761919.

ClinVar aggregate classification (germline): Uncertain significance (1 of 4 stars; one submission).

Conditions:
Hereditary breast ovarian cancer syndrome. Also called: BRCA1- and BRCA2-Associated Hereditary Breast and Ovarian Cancer; Breast and ovarian cancer; Hereditary breast and/or ovarian cancer syndrome; Hereditary breast and ovarian cancer; Hereditary breast and ovarian cancer syndrome (HBOC); Hereditary breast and ovarian cancer syndrome. Identifiers: Orphanet 145, MedGen C0677776, MeSH D061325, MONDO:0003582. Disease mechanism: loss of function.

Allele frequency attached by ClinVar (database versions not stated): TOPMed below 0.00001; gnomAD 0.00001.
gnomAD v4.1: 1 of 1,613,990 alleles (0.000062%); highest among the groups gnomAD compares: East Asian, 0.0022%; no homozygotes.

Submission:

Labcorp Genetics (formerly Invitae), Labcorp
Classification: Uncertain significance for Hereditary breast ovarian cancer syndrome. Last evaluated: 2023-07-16. Review status: criteria provided, single submitter. Criteria: Invitae Variant Classification Sherloc (09022015). Collection method: clinical testing. Allele origin: germline.
Comment: In summary, the available evidence is currently insufficient to determine the role of this variant in disease. Therefore, it has been classified as a Variant of Uncertain Significance. Advanced modeling of protein sequence and biophysical properties (such as structural, functional, and spatial information, amino acid conservation, physicochemical variation, residue mobility, and thermodynamic stability) performed at Invitae indicates that this missense variant is not expected to disrupt BRCA2 protein function. This variant has not been reported in the literature in individuals affected with BRCA2-related conditions. This variant is not present in population databases (gnomAD no frequency). This sequence change replaces valine, which is neutral and non-polar, with leucine, which is neutral and non-polar, at codon 388 of the BRCA2 protein (p.Val388Leu).